The following is an entry in ClinVar:

ClinVar aggregate classification (germline): Uncertain significance. Review status: criteria provided, multiple submitters, no conflicts (2 of 4 stars). 3 submissions from 3 submitters: Uncertain significance (2). 1 of the submissions does not count toward it. Last evaluated 2024-12-17.

Conditions:
Hypertrophic cardiomyopathy 14. Identifiers: MedGen C2750467, MONDO:0013197, OMIM 613251.
Cardiovascular phenotype. Identifiers: MedGen CN230736.

gnomAD v4.1: 3 of 1,614,154 alleles (0.00019%); highest among the groups gnomAD compares: Admixed American, 0.0017%; no homozygotes.

Submissions (3):

Ambry Genetics
Classification: Uncertain significance for Cardiovascular phenotype. Last evaluated: 2024-12-17. Review status: criteria provided, single submitter. Criteria: Ambry Variant Classification Scheme 2023. Collection method: clinical testing. Allele origin: germline.

Labcorp Genetics (formerly Invitae), Labcorp
Classification: Uncertain significance for Hypertrophic cardiomyopathy 14. Last evaluated: 2022-11-03. Review status: criteria provided, single submitter. Criteria: Invitae Variant Classification Sherloc (09022015). Collection method: clinical testing. Allele origin: germline.
Comment: This sequence change replaces isoleucine, which is neutral and non-polar, with phenylalanine, which is neutral and non-polar, at codon 801 of the MYH6 protein (p.Ile801Phe). In summary, the available evidence is currently insufficient to determine the role of this variant in disease. Therefore, it has been classified as a Variant of Uncertain Significance. Advanced modeling of protein sequence and biophysical properties (such as structural, functional, and spatial information, amino acid conservation, physicochemical variation, residue mobility, and thermodynamic stability) performed at Invitae indicates that this missense variant is not expected to disrupt MYH6 protein function. ClinVar contains an entry for this variant (Variation ID: 844213). This variant has not been reported in the literature in individuals affected with MYH6-related conditions. This variant is present in population databases (rs75487328, gnomAD 0.006%).

Department of Pathology and Laboratory Medicine, Sinai Health System
Classification: Uncertain significance. Review status: no assertion criteria provided. Collection method: clinical testing. Allele origin: unknown. Affected: yes. Study: The Canadian Open Genetics Repository (COGR). Not counted in ClinVar's aggregate classification.
Comment: The MYH6 p.Ile801Phe variant was not identified in the literature nor was it identified in the ClinVar, COGR, Cosmic, MutDB or LOVD 3.0 databases. The variant was identified in dbSNP (ID: rs75487328) and in control databases in 2 of 251450 chromosomes at a frequency of 0.000008 (Genome Aggregation Database Feb 27, 2017). The variant was observed in the following population: Latino in 2 of 34590 chromosomes (freq: 0.000058), but was not observed in the African, Ashkenazi Jewish, East Asian, European (Finnish), European (non-Finnish), Other, and South Asian populations. The p.Ile801 residue is not conserved in mammals and computational analyses (PolyPhen-2, SIFT, AlignGVGD, BLOSUM, and MutationTaster) provide inconsistent predictions regarding the impact to the protein; this information is not very predictive of pathogenicity. In summary, based on the above information the clinical significance of this variant cannot be determined with certainty at this time. This variant is classified as a variant of uncertain significance.

NM_002471.4(MYH6):c.2401A>T (p.Ile801Phe)

Gene: MYH6 (myosin heavy chain 6; minus strand). Cytogenetic location: 14q11.2.
Variant type: single nucleotide variant.
Coding change: c.2401A>T on transcript NM_002471.4 (MANE Select); coding-DNA position 2401, A replaced by T.
Protein change: p.Ile801Phe; replaces isoleucine 801 with phenylalanine.
Molecular consequence: missense variant.
Genome position (GRCh38, 1-based): chr14:23,396,312, T>A on the plus strand (A>T on the coding strand, the complement: MYH6 is on the minus strand). VCF-style: chr14-23396312-T-A. GRCh37 (hg19) VCF-style: chr14-23865521-T-A.
Other names: short protein forms I801F.
Identifiers: ClinVar variation 844213 (VCV000844213.13), dbSNP rs75487328, ClinGen allele CA7115478.